The following is an entry in ClinVar:

ClinVar aggregate classification (germline): Uncertain significance (1 of 4 stars; one submission).

Conditions:
Pulmonary hypertension, primary, 4. Identifiers: Orphanet 422, MedGen C3809198, MONDO:0014136, OMIM 615344.

Submission:

Labcorp Genetics (formerly Invitae), Labcorp
Classification: Uncertain significance for Pulmonary hypertension, primary, 4. Last evaluated: 2024-06-17. Review status: criteria provided, single submitter. Criteria: Invitae Variant Classification Sherloc (09022015). Collection method: clinical testing. Allele origin: germline.
Comment: This sequence change replaces glycine, which is neutral and non-polar, with tryptophan, which is neutral and slightly polar, at codon 268 of the KCNK3 protein (p.Gly268Trp). This variant is not present in population databases (gnomAD no frequency). This variant has not been reported in the literature in individuals affected with KCNK3-related conditions. ClinVar contains an entry for this variant (Variation ID: 2415565). Advanced modeling of protein sequence and biophysical properties (such as structural, functional, and spatial information, amino acid conservation, physicochemical variation, residue mobility, and thermodynamic stability) performed at Invitae indicates that this missense variant is not expected to disrupt KCNK3 protein function with a negative predictive value of 80%. In summary, the available evidence is currently insufficient to determine the role of this variant in disease. Therefore, it has been classified as a Variant of Uncertain Significance.

NM_002246.3(KCNK3):c.802G>T (p.Gly268Trp)

Gene: KCNK3 (potassium two pore domain channel subfamily K member 3; plus strand). Cytogenetic location: 2p23.3.
Variant type: single nucleotide variant.
Coding change: c.802G>T on transcript NM_002246.3 (MANE Select); coding-DNA position 802, G replaced by T.
Protein change: p.Gly268Trp; replaces glycine 268 with tryptophan.
Molecular consequence: missense variant.
Genome position (GRCh38, 1-based): chr2:26,728,185, G>T. VCF-style: chr2-26728185-G-T. GRCh37 (hg19) VCF-style: chr2-26951053-G-T.
Other names: short protein forms G268W.
Identifiers: ClinVar variation 2415565 (VCV002415565.6), dbSNP rs774439143, ClinGen allele CA346262805.